The following is an entry in ClinVar:

ClinVar aggregate classification (germline): Pathogenic (0 of 4 stars; one submission).

Conditions:
Beta-thalassemia HBB/LCRB. Identifiers: MedGen CN322236, MONDO:0013517, OMIM 613985.

Submission:

MOLECULAR BIOLOGY AND HUMAN GENETICS DIVISION, THE UNIVERSITY OF BURDWAN
Classification: Pathogenic for Beta-thalassemia HBB/LCRB. Last evaluated: 2022-07-26. Review status: no assertion criteria provided. Collection method: clinical testing. Allele origin: germline. Inheritance: Autosomal recessive inheritance. Affected: yes. Observed: 3 variant alleles, 3 compound heterozygotes. Clinical features observed: Anemia.
Comment: The variant causes long deletion in HBB; HBD genomic region. When this variant present with another variant in HBB gene that causes severe anemia, patient require frequent transfusion in few cases Hepatosplenomegaly was observed

Single allele

Genes: HBB (hemoglobin subunit beta; minus strand), HBD (hemoglobin subunit delta; minus strand), LOC106099062 (HBB recombination region; plus strand), LOC106099063 (HBD recombination region; plus strand), LOC107133510 (origin of replication at HBB; plus strand) and 2 more. Cytogenetic location: 11p15.4.
Variant type: Deletion.
Identifiers: ClinVar variation 3255363 (VCV003255363.2).